The following is an entry in ClinVar:

ClinVar aggregate classification (germline): Likely pathogenic (1 of 4 stars; one submission).

Submission:

Labcorp Genetics (formerly Invitae), Labcorp
Classification: Likely pathogenic. Last evaluated: 2021-02-23. Review status: criteria provided, single submitter. Criteria: Invitae Variant Classification Sherloc (09022015). Collection method: clinical testing. Allele origin: germline.
Comment: In summary, the currently available evidence indicates that the variant is pathogenic, but additional data are needed to prove that conclusively. Therefore, this variant has been classified as Likely Pathogenic. This variant has not been reported in the literature in individuals with TRPM1-related conditions. This variant results in a copy number gain of the genomic region encompassing exon(s) 8-10 of the TRPM1 gene. While the exact position of this variant cannot be determined from the data, sub-genic copy number gains are generally in tandem (PMID: 25640679). This variant is predicted to be out-of-frame, and may result in an absent or disrupted protein product. Loss-of-function variants in TRPM1 are known to be pathogenic (PMID: 19896113, 19966281, 20300565).

Literature cited by the submitters: PubMed 25640679; PubMed 19896113; PubMed 19966281; PubMed 20300565.

NC_000015.9:g.(?_31352727)_(31354925_?)dup

Gene: TRPM1 (transient receptor potential cation channel subfamily M member 1; minus strand). Cytogenetic location: 15q13.3.
Variant type: Duplication.
Identifiers: ClinVar variation 1507334 (VCV001507334.4).